The following is an entry in ClinVar:

NM_022081.6(HPS4):c.*5C>T

Gene: HPS4 (HPS4 biogenesis of lysosomal organelles complex 3 subunit 2; minus strand). Cytogenetic location: 22q12.1.
Variant type: single nucleotide variant.
Coding change: c.*5C>T on transcript NM_022081.6 (MANE Select); 5 bases downstream of the stop codon, C replaced by T.
Molecular consequence: 3 prime UTR variant. On other transcripts: synonymous variant (2), non-coding transcript variant (8), intron variant (2).
Genome position (GRCh38, 1-based): chr22:26,453,228, G>A on the plus strand (C>T on the coding strand, the complement: HPS4 is on the minus strand). VCF-style: chr22-26453228-G-A. GRCh37 (hg19) VCF-style: chr22-26849194-G-A.
Other names: c.*5C>T (NM_001349896.1, NM_001349898.2, NM_001349899.2 and 3 more transcripts); c.1890C>T, p.Cys630= (NM_001349902.1, NM_001349903.2); c.1955+4631C>T (NM_001349905.1, NM_001349904.2).
Identifiers: ClinVar variation 194428 (VCV000194428.8), dbSNP rs373741660, ClinGen allele CA240375.

ClinVar aggregate classification (germline): Conflicting classifications of pathogenicity. Review status: criteria provided, conflicting classifications (1 of 4 stars). 3 submissions from 3 submitters: Uncertain significance (1); Likely benign (1). 1 of the submissions does not count toward it. Last evaluated 2024-10-09.

Conditions:
HPS4-related disorder. Also called: HPS4-related condition.

Allele frequency attached by ClinVar (database versions not stated): gnomAD exomes 0.00014 and 0.00023; 1000 Genomes Project 30x 0.00016; ExAC 0.00017; 1000 Genomes Project 0.00020; ESP Exome Variant Server 0.00038; gnomAD 0.00068 and 0.00072; TOPMed 0.00080.
gnomAD v4.1: 316 of 1,614,120 alleles (0.02%); highest among the groups gnomAD compares: Middle Eastern, 0.17%; 1 homozygote.

Submissions (3):

Blueprint Genetics
Classification: Likely benign. Last evaluated: 2024-10-09. Review status: criteria provided, single submitter. Criteria: ACMG Guidelines, 2015. Collection method: clinical testing. Allele origin: germline.

Eurofins Ntd Llc (ga)
Classification: Uncertain significance. Last evaluated: 2017-08-08. Review status: criteria provided, single submitter. Criteria: EGL Classification Definitions 2015. Collection method: clinical testing. Allele origin: germline. Observed: 2 variant alleles, 2 heterozygotes.

PreventionGenetics, part of Exact Sciences
Classification: Likely benign for HPS4-related condition. Last evaluated: 2019-06-06. Review status: no assertion criteria provided. Collection method: clinical testing. Allele origin: germline. Not counted in ClinVar's aggregate classification.
Comment: This variant is classified as likely benign based on ACMG/AMP sequence variant interpretation guidelines (Richards et al. 2015 PMID: 25741868, with internal and published modifications).